The following is an entry in ClinVar:

NM_014000.3(VCL):c.217_218del (p.Asp73fs)

Gene: VCL (vinculin; plus strand). Cytogenetic location: 10q22.2.
Variant type: Microsatellite.
Coding change: c.217_218del on transcript NM_014000.3 (MANE Select); coding-DNA positions 217 to 218, 2 bases deleted (GA; older notation c.217_218delGA).
Protein change: p.Asp73fs; shifts the reading frame from aspartic acid 73.
Molecular consequence: frameshift variant.
Genome position (GRCh38, 1-based): chr10:74,043,131-74,043,132, GA deleted; deleting any 2 consecutive bases within chr10:74,043,126-74,043,132 gives the same sequence; the c. name uses the placement nearest the transcript's 3' end. VCF-style (leftmost placement, unchanged base first): chr10-74043125-AAG-A. GRCh37 (hg19) VCF-style: chr10-75802883-AAG-A.
Other names: c.217_218del, p.Asp73fs (NM_003373.4); short protein forms D73fs.
Identifiers: ClinVar variation 2078409 (VCV002078409.4), dbSNP rs2549198961, ClinGen allele CA2580615509.

ClinVar aggregate classification (germline): Uncertain significance (1 of 4 stars; one submission).

Conditions:
Dilated cardiomyopathy 1W (CMD1W). Identifiers: Orphanet 154, MedGen C1969639, MONDO:0012667, OMIM 611407.

Submission:

Labcorp Genetics (formerly Invitae), Labcorp
Classification: Uncertain significance for Dilated cardiomyopathy 1W. Last evaluated: 2022-01-11. Review status: criteria provided, single submitter. Criteria: Invitae Variant Classification Sherloc (09022015). Collection method: clinical testing. Allele origin: germline.
Comment: In summary, the available evidence is currently insufficient to determine the role of this variant in disease. Therefore, it has been classified as a Variant of Uncertain Significance. This variant has not been reported in the literature in individuals affected with VCL-related conditions. This variant is not present in population databases (gnomAD no frequency). This sequence change creates a premature translational stop signal (p.Asp73Tyrfs*7) in the VCL gene. It is expected to result in an absent or disrupted protein product. However, the current clinical and genetic evidence is not sufficient to establish whether loss-of-function variants in VCL cause disease.